The following is an entry in ClinVar:

ClinVar aggregate classification (germline): Uncertain significance. Review status: criteria provided, multiple submitters, no conflicts (2 of 4 stars). 2 submissions from 2 submitters: Uncertain significance (2). Last evaluated 2025-01-11.

Conditions:
Hereditary pancreatitis (PCTT). Also called: Hereditary chronic pancreatitis; PRSS1-Related Hereditary Pancreatitis. Identifiers: Orphanet 676, MedGen C0238339, MONDO:0008185, OMIM 167800.

gnomAD v4.1: 7 of 1,614,218 alleles (0.00043%); highest among the groups gnomAD compares: Non-Finnish European, 0.00059%; no homozygotes.

Submissions (2):

Ambry Genetics
Classification: Uncertain significance for Hereditary pancreatitis. Last evaluated: 2025-01-11. Review status: criteria provided, single submitter. Criteria: Ambry Variant Classification Scheme 2023. Collection method: clinical testing. Allele origin: germline.
Comment: The p.I299F variant (also known as c.895A>T), located in coding exon 8 of the CPA1 gene, results from an A to T substitution at nucleotide position 895. The isoleucine at codon 299 is replaced by phenylalanine, an amino acid with highly similar properties. This amino acid position is conserved. In addition, this alteration is predicted to be tolerated by in silico analysis. Since supporting evidence is limited at this time, the clinical significance of this alteration remains unclear.

Labcorp Genetics (formerly Invitae), Labcorp
Classification: Uncertain significance. Last evaluated: 2024-04-13. Review status: criteria provided, single submitter. Criteria: Invitae Variant Classification Sherloc (09022015). Collection method: clinical testing. Allele origin: germline.
Comment: This sequence change replaces isoleucine, which is neutral and non-polar, with phenylalanine, which is neutral and non-polar, at codon 299 of the CPA1 protein (p.Ile299Phe). This variant is not present in population databases (gnomAD no frequency). This variant has not been reported in the literature in individuals affected with CPA1-related conditions. ClinVar contains an entry for this variant (Variation ID: 2496928). Advanced modeling of protein sequence and biophysical properties (such as structural, functional, and spatial information, amino acid conservation, physicochemical variation, residue mobility, and thermodynamic stability) performed at Invitae indicates that this missense variant is not expected to disrupt CPA1 protein function with a negative predictive value of 80%. In summary, the available evidence is currently insufficient to determine the role of this variant in disease. Therefore, it has been classified as a Variant of Uncertain Significance.

NM_001868.4(CPA1):c.895A>T (p.Ile299Phe)

Gene: CPA1 (carboxypeptidase A1; plus strand). Cytogenetic location: 7q32.2.
Variant type: single nucleotide variant.
Coding change: c.895A>T on transcript NM_001868.4 (MANE Select); coding-DNA position 895, A replaced by T.
Protein change: p.Ile299Phe; replaces isoleucine 299 with phenylalanine.
Molecular consequence: missense variant.
Genome position (GRCh38, 1-based): chr7:130,385,253, A>T. VCF-style: chr7-130385253-A-T. GRCh37 (hg19) VCF-style: chr7-130025094-A-T.
Other names: short protein forms I299F.
Identifiers: ClinVar variation 2496928 (VCV002496928.5), dbSNP rs533352347, ClinGen allele CA369283638.